The following is an entry in ClinVar:

NM_019594.4(LRRC8A):c.1436C>T (p.Thr479Ile)

Gene: LRRC8A (leucine rich repeat containing 8 VRAC subunit A; plus strand). Cytogenetic location: 9q34.11.
Variant type: single nucleotide variant.
Coding change: c.1436C>T on transcript NM_019594.4 (MANE Select); coding-DNA position 1436, C replaced by T.
Protein change: p.Thr479Ile; replaces threonine 479 with isoleucine.
Molecular consequence: missense variant.
Genome position (GRCh38, 1-based): chr9:128,908,600, C>T. VCF-style: chr9-128908600-C-T. GRCh37 (hg19) VCF-style: chr9-131670879-C-T.
Other names: c.1436C>T, p.Thr479Ile (NM_001127244.2, NM_001127245.2); short protein forms T479I.
Identifiers: ClinVar variation 1721917 (VCV001721917.5), dbSNP rs2491877096, ClinGen allele CA375081390.

ClinVar aggregate classification (germline): Uncertain significance (1 of 4 stars; one submission).

Submission:

Labcorp Genetics (formerly Invitae), Labcorp
Classification: Uncertain significance. Last evaluated: 2022-10-19. Review status: criteria provided, single submitter. Criteria: Invitae Variant Classification Sherloc (09022015). Collection method: clinical testing. Allele origin: germline.
Comment: In summary, the available evidence is currently insufficient to determine the role of this variant in disease. Therefore, it has been classified as a Variant of Uncertain Significance. Algorithms developed to predict the effect of missense changes on protein structure and function (SIFT, PolyPhen-2, Align-GVGD) all suggest that this variant is likely to be disruptive. This variant has not been reported in the literature in individuals affected with LRRC8A-related conditions. This variant is not present in population databases (gnomAD no frequency). This sequence change replaces threonine, which is neutral and polar, with isoleucine, which is neutral and non-polar, at codon 479 of the LRRC8A protein (p.Thr479Ile).